The following is an entry in ClinVar:

ClinVar aggregate classification (germline): Uncertain significance (1 of 4 stars; one submission).

Allele frequency attached by ClinVar (database versions not stated): gnomAD exomes below 0.00001 and 0.00001; ExAC 0.00002.
gnomAD v4.1: 5 of 1,606,482 alleles (0.00031%); highest among the groups gnomAD compares: Non-Finnish European, 0.00043%; no homozygotes.

Submission:

Labcorp Genetics (formerly Invitae), Labcorp
Classification: Uncertain significance. Last evaluated: 2021-11-29. Review status: criteria provided, single submitter. Criteria: Invitae Variant Classification Sherloc (09022015). Collection method: clinical testing. Allele origin: germline.
Comment: This sequence change falls in intron 12 of the NBAS gene. It does not directly change the encoded amino acid sequence of the NBAS protein. This variant is present in population databases (rs746712793, gnomAD 0.002%). This variant has not been reported in the literature in individuals affected with NBAS-related conditions. Algorithms developed to predict the effect of sequence changes on RNA splicing suggest that this variant may disrupt the consensus splice site. In summary, the available evidence is currently insufficient to determine the role of this variant in disease. Therefore, it has been classified as a Variant of Uncertain Significance.

NM_015909.4(NBAS):c.1084-5T>C

Gene: NBAS (NBAS subunit of NRZ tethering complex; minus strand). Cytogenetic location: 2p24.3.
Variant type: single nucleotide variant.
Coding change: c.1084-5T>C on transcript NM_015909.4 (MANE Select); 5 bases into the intron before coding-DNA position 1084, T replaced by C.
Molecular consequence: intron variant.
Genome position (GRCh38, 1-based): chr2:15,478,294, A>G on the plus strand (T>C on the coding strand, the complement: NBAS is on the minus strand). VCF-style: chr2-15478294-A-G. GRCh37 (hg19) VCF-style: chr2-15618418-A-G.
Identifiers: ClinVar variation 1472143 (VCV001472143.6), dbSNP rs746712793, ClinGen allele CA1536794.
Genomic context (GRCh38, chr2:15,478,294, plus strand): 5'-TTTTTTCTCTTCTCAGTAGAGAGCCTCCAATCAGGATTAAGGTCATCATAGCCTGGCTAA[A>G]TATGAAAATAATGACTTCCTGAGTGAACTATGTAAGAAAATTATAAGAAAATCATCAAGA-3'